The following is an entry in ClinVar:

ClinVar aggregate classification (germline): Uncertain significance. Review status: criteria provided, multiple submitters, no conflicts (2 of 4 stars). 17 submissions from 17 submitters: Uncertain significance (15). 2 of the submissions do not count toward it. Last evaluated 2025-12-03.

Conditions:
Inborn genetic diseases. Identifiers: MedGen C0950123, MeSH D030342.
Wilson disease (WND). Also called: Wilson's disease. Identifiers: Orphanet 905, MedGen C0019202, MONDO:0010200, OMIM 277900. Disease mechanism: loss of function.

Allele frequency attached by ClinVar (database versions not stated): ExAC 0.00017; TOPMed 0.00025; gnomAD 0.00032; ESP Exome Variant Server 0.00056.
gnomAD v4.1: 599 of 1,614,092 alleles (0.037%); highest among the groups gnomAD compares: Non-Finnish European, 0.046%; no homozygotes.

Submissions 1 to 11 of 17:

Women's Health and Genetics/Laboratory Corporation of America, LabCorp
Classification: Uncertain significance. Last evaluated: 2025-12-03. Review status: criteria provided, single submitter. Criteria: LabCorp Variant Classification Summary - May 2015. Collection method: clinical testing. Allele origin: germline.
Comment: Variant summary: ATP7B c.2921C>T (p.Thr974Met) results in a non-conservative amino acid change in the encoded protein sequence. Algorithms developed to predict the effect of missense changes on protein structure and function all suggest that this variant is likely to be disruptive. The variant allele was found at a frequency of 0.00014 in 249500 control chromosomes. This frequency is not significantly higher than estimated for disease-causing variants in ATP7B, allowing no conclusion about variant significance. c.2921C>T has been observed in in individuals affected with Wilson Disease (Davies_2008, Jung_2017). These reports do not provide unequivocal conclusions about association of the variant with Wilson Disease. At least one publication reports experimental evidence evaluating an impact on protein function and found the variant resulted in reduced expression, but similar transport activity compared to the wildtype protein in vitro (Calvo_2025). The following publications have been ascertained in the context of this evaluation (PMID: 40661833, 30097039, 18373411, 27935710, 23235335, 20465995, 31449670, 22692182, 31059521, 24253677, 31751128). ClinVar contains an entry for this variant (Variation ID: 289465). Based on the evidence outlined above, the variant was classified as uncertain significance.

GeneDx
Classification: Uncertain significance. Last evaluated: 2025-10-01. Review status: criteria provided, single submitter. Criteria: GeneDx Variant Classification Process June 2021. Collection method: clinical testing. Allele origin: germline. Affected: yes.
Comment: Reported previously in an individual with a reported diagnosis of Wilson disease; however, further phenotypic information was not provided, and it is unclear whether or not this individual also harbored a second ATP7B variant (PMID: 18373411); Reported in an individual with alcoholic liver cirrhosis whose biochemistry did not support a diagnosis of Wilson disease (PMID: 27935710); In silico analysis supports that this missense variant has a deleterious effect on protein structure/function; In silico analysis suggests this variant may impact gene splicing. In the absence of RNA/functional studies, the actual effect of this sequence change is unknown.; This variant is associated with the following publications: (PMID: 22692182, 18373411, 30097039, 34426522, 37937776, 27935710)

Myriad Genetics, Inc.
Classification: Uncertain significance for Wilson disease. Last evaluated: 2025-09-17. Review status: criteria provided, single submitter. Criteria: Myriad Autosomal Dominant, Autosomal Recessive and X-Linked Classification Criteria (2023). Collection method: clinical testing. Allele origin: unknown.
Comment: NM_000053.3(ATP7B):c.2921C>T(T974M) is a missense variant classified as a variant of uncertain significance in the context of Wilson disease. T974M has been observed in cases with relevant disease (PMID: 18373411). Relevant functional assessments of this variant are not available in the literature. T974M has been observed in referenced population frequency databases. In summary, there is insufficient evidence to classify NM_000053.3(ATP7B):c.2921C>T(T974M) as pathogenic or benign. Please note: this variant was assessed in the context of healthy population screening.

Color Diagnostics, LLC DBA Color Health
Classification: Uncertain significance for Wilson disease. Last evaluated: 2025-06-11. Review status: criteria provided, single submitter. Criteria: ACMG Guidelines, 2015. Collection method: clinical testing. Allele origin: germline.
Comment: This missense variant replaces threonine with methionine at codon 974 of the ATP7B protein. Computational prediction suggests that this variant may have deleterious impact on protein structure and function. To our knowledge, functional studies have not been reported for this variant. This variant has been reported in individuals affected with Wilson disease (PMID: 18373411, 27935710, 30097039). In one of these individuals, this variant was reported in the compound heterozygous state (PMID: 27935710). This variant has been identified in 46/280856 chromosomes in the general population by the Genome Aggregation Database (gnomAD). The available evidence is insufficient to determine the role of this variant in disease conclusively. Therefore, this variant is classified as a Variant of Uncertain Significance.

Mayo Clinic Laboratories, Mayo Clinic
Classification: Uncertain significance. Last evaluated: 2024-11-21. Review status: criteria provided, single submitter. Criteria: ACMG Guidelines, 2015. Collection method: clinical testing. Allele origin: germline. Observed: 4 variant alleles.
Comment: PP3, PM2_supporting

Blueprint Genetics
Classification: Uncertain significance. Last evaluated: 2024-11-06. Review status: criteria provided, single submitter. Criteria: ACMG Guidelines, 2015. Collection method: clinical testing. Allele origin: germline.

All of Us Research Program, National Institutes of Health
Classification: Uncertain significance for Wilson disease. Last evaluated: 2024-09-23. Review status: criteria provided, single submitter. Criteria: ACMG Guidelines, 2015. Collection method: clinical testing. Allele origin: germline. Inheritance: Autosomal recessive inheritance. Observed: 76 variant alleles, 76 heterozygotes.
Comment: This missense variant replaces threonine with methionine at codon 974 of the ATP7B protein. Computational prediction suggests that this variant may have deleterious impact on protein structure and function (internally defined REVEL score threshold >= 0.7, PMID: 27666373). To our knowledge, functional studies have not been reported for this variant. This variant has been reported in individuals affected with Wilson disease (PMID: 18373411, 27935710, 30097039). In one of these individuals, this variant was reported in the compound heterozygous state (PMID: 27935710). This variant has been identified in 46/280856 chromosomes in the general population by the Genome Aggregation Database (gnomAD). The available evidence is insufficient to determine the role of this variant in disease conclusively. Therefore, this variant is classified as a Variant of Uncertain Significance.

This study involves interpretation of variants in research participants for the purpose of population health screening. Participant phenotype was not available at the time of variant classification. Additional details can be found in publication PMID: 35346344, PMCID: PMC8962531

Fulgent Genetics
Classification: Uncertain significance for Wilson disease. Last evaluated: 2024-06-14. Review status: criteria provided, single submitter. Criteria: ACMG Guidelines, 2015. Collection method: clinical testing. Allele origin: germline.

Greenwood Genetic Center Diagnostic Laboratories, Greenwood Genetic Center
Classification: Uncertain significance. Last evaluated: 2022-12-19. Review status: criteria provided, single submitter. Criteria: ACMG Guidelines, 2015. Collection method: clinical testing. Allele origin: germline. Affected: yes.
Comment: PP3

ARUP Laboratories, Molecular Genetics and Genomics, ARUP Laboratories
Classification: Uncertain significance for Wilson disease. Last evaluated: 2022-09-20. Review status: criteria provided, single submitter. Criteria: ARUP Molecular Germline Variant Investigation Process 2021. Collection method: clinical testing. Allele origin: germline.
Comment: The ATP7B c.2921C>T; p.Thr974Met variant (rs201061621) has been described in an individual with a clinical diagnosis of Wilson disease (Davies 2008). The variant is reported in the ClinVar (Variation ID: 289465) and is listed in the general population with an overall allele frequency of 0.016% (46/280856 alleles) in the Genome Aggregation Database. The threonine at codon 974 is moderately conserved, occurs in the ATPase domain, and computational analyses predict that this variant is deleterious (REVEL: 0.746). Additionally, other variants in threonines in this region (p.Thr935Met, p.Thr977Met) are considered pathogenic. However, given the lack of clinical and functional data, the significance of the p.Thr974Met variant is uncertain at this time. References: Davies LP et al. New mutations in the Wilson disease gene, ATP7B: implications for molecular testing. Genet Test. 2008 Mar;12(1):139-45. PMID: 18373411.

Labcorp Genetics (formerly Invitae), Labcorp
Classification: Uncertain significance for Wilson disease. Last evaluated: 2022-08-21. Review status: criteria provided, single submitter. Criteria: Invitae Variant Classification Sherloc (09022015). Collection method: clinical testing. Allele origin: germline.
Comment: This sequence change replaces threonine, which is neutral and polar, with methionine, which is neutral and non-polar, at codon 974 of the ATP7B protein (p.Thr974Met). This variant is present in population databases (rs201061621, gnomAD 0.03%). This variant has not been reported in the literature in individuals affected with ATP7B-related conditions. ClinVar contains an entry for this variant (Variation ID: 289465). Algorithms developed to predict the effect of missense changes on protein structure and function are either unavailable or do not agree on the potential impact of this missense change (SIFT: "Deleterious"; PolyPhen-2: "Probably Damaging"; Align-GVGD: "Class C15"). Algorithms developed to predict the effect of sequence changes on RNA splicing suggest that this variant may create or strengthen a splice site. In summary, the available evidence is currently insufficient to determine the role of this variant in disease. Therefore, it has been classified as a Variant of Uncertain Significance.

NM_000053.4(ATP7B):c.2921C>T (p.Thr974Met)

Gene: ATP7B (ATPase copper transporting beta; minus strand). Cytogenetic location: 13q14.3.
Variant type: single nucleotide variant.
Coding change: c.2921C>T on transcript NM_000053.4 (MANE Select); coding-DNA position 2921, C replaced by T.
Protein change: p.Thr974Met; replaces threonine 974 with methionine.
Molecular consequence: missense variant.
Genome position (GRCh38, 1-based): chr13:51,946,423, G>A on the plus strand (C>T on the coding strand, the complement: ATP7B is on the minus strand). VCF-style: chr13-51946423-G-A. GRCh37 (hg19) VCF-style: chr13-52520559-G-A.
Other names: c.2300C>T, p.Thr767Met (NM_001005918.3); c.2588C>T, p.Thr863Met (NM_001243182.2); c.2687C>T, p.Thr896Met (NM_001330578.2); c.2669C>T, p.Thr890Met (NM_001330579.2); short protein forms T974M, T767M, T890M, T863M, T896M.
Identifiers: ClinVar variation 289465 (VCV000289465.42), dbSNP rs201061621, ClinGen allele CA6988862.